The following is an entry in ClinVar:

NM_000540.3(RYR1):c.15022-5C>T

Gene: RYR1 (ryanodine receptor 1; plus strand). Cytogenetic location: 19q13.2.
Variant type: single nucleotide variant.
Coding change: c.15022-5C>T on transcript NM_000540.3 (MANE Select); 5 bases into the intron before coding-DNA position 15022, C replaced by T.
Molecular consequence: intron variant.
Genome position (GRCh38, 1-based): chr19:38,587,320, C>T. VCF-style: chr19-38587320-C-T. GRCh37 (hg19) VCF-style: chr19-39077960-C-T.
Other names: c.15007-5C>T (NM_001042723.2).
Identifiers: ClinVar variation 3075389 (VCV003075389.3), dbSNP rs776023275, ClinGen allele CA062016.

ClinVar aggregate classification (germline): Likely benign. Review status: criteria provided, multiple submitters, no conflicts (2 of 4 stars). 3 submissions from 3 submitters: Likely benign (3). Last evaluated 2025-08-10.

Conditions:
RYR1-related disorder. Also called: RYR1-related condition; RYR1-related disorders. Identifiers: MedGen CN239331.
Malignant hyperthermia, susceptibility to, 1 (MHS1). Also called: Anesthesia related hyperthermia; Malignant hyperpyrexia; Fulminating hyperpyrexia; Pharmacogenic myopathy; RYR1-Related Malignant Hyperthermia Susceptibility; Malignant hyperthermia suceptibility 1. Identifiers: Orphanet 423, MedGen C2930980, MONDO:0007783, OMIM 145600.

Allele frequency attached by ClinVar (database versions not stated): ExAC 0.00001; gnomAD exomes 0.00002.
gnomAD v4.1: 25 of 1,604,656 alleles (0.0016%); highest among the groups gnomAD compares: Middle Eastern, 0.017%; no homozygotes.

Submissions (3):

Labcorp Genetics (formerly Invitae), Labcorp
Classification: Likely benign for RYR1-related disorder. Last evaluated: 2025-08-10. Review status: criteria provided, single submitter. Criteria: Invitae Variant Classification Sherloc (09022015). Collection method: clinical testing. Allele origin: germline.

All of Us Research Program, National Institutes of Health
Classification: Likely benign for Malignant hyperthermia, susceptibility to, 1. Last evaluated: 2024-02-05. Review status: criteria provided, single submitter. Criteria: ACMG Guidelines, 2015. Collection method: clinical testing. Allele origin: germline. Inheritance: Autosomal dominant inheritance. Observed: 1 variant allele, 1 heterozygote.
Comment: This study involves interpretation of variants in research participants for the purpose of population health screening. Participant phenotype was not available at the time of variant classification. Additional details can be found in publication PMID: 35346344, PMCID: PMC8962531

Color Diagnostics, LLC DBA Color Health
Classification: Likely benign for Malignant hyperthermia, susceptibility to, 1. Last evaluated: 2023-11-27. Review status: criteria provided, single submitter. Criteria: ACMG Guidelines, 2015. Collection method: clinical testing. Allele origin: germline.